The following is an entry in ClinVar:

NM_001379610.1(SPINK1):c.194+6T>C

Gene: SPINK1 (serine peptidase inhibitor Kazal type 1; minus strand). Cytogenetic location: 5q32.
Variant type: single nucleotide variant.
Coding change: c.194+6T>C on transcript NM_001379610.1 (MANE Select); 6 bases into the intron after coding-DNA position 194, T replaced by C.
Molecular consequence: intron variant.
Genome position (GRCh38, 1-based): chr5:147,828,016, A>G on the plus strand (T>C on the coding strand, the complement: SPINK1 is on the minus strand). VCF-style: chr5-147828016-A-G. GRCh37 (hg19) VCF-style: chr5-147207579-A-G.
Other names: c.194+6T>C (NM_003122.5, NM_001354966.2).
Identifiers: ClinVar variation 1065166 (VCV001065166.1), dbSNP rs761201715, ClinGen allele CA3494774.
Genomic context (GRCh38, chr5:147,828,016, plus strand): 5'-ATCAGTACACTTGAAGATAACTAACTTAAAATATATAGTTTAAAAGAAACTCAAGTTTGT[A>G]CTCACCGATTTTCAAAACATAACACGCATTCATTGGGATAAGTATTTCCATCAGTCCCAC-3'

ClinVar aggregate classification (germline): Uncertain significance (1 of 4 stars; one submission).

Allele frequency attached by ClinVar (database versions not stated): gnomAD exomes below 0.00001 and 0.00001; ExAC 0.00004.
gnomAD v4.1: 5 of 1,604,104 alleles (0.00031%); highest among the groups gnomAD compares: South Asian, 0.0044%; no homozygotes.

Submission:

Women's Health and Genetics/Laboratory Corporation of America, LabCorp
Classification: Uncertain significance. Last evaluated: 2021-04-02. Review status: criteria provided, single submitter. Criteria: LabCorp Variant Classification Summary - May 2015. Collection method: clinical testing. Allele origin: germline.
Comment: Variant summary: SPINK1 c.194+6T>C alters a non-conserved nucleotide located close to a canonical splice site and therefore could affect mRNA splicing, leading to a significantly altered protein sequence. Several computational tools predict a significant impact on normal splicing: Three predict the variant weakens a 5' donor site. However, these predictions have yet to be confirmed by functional studies. The variant allele was found at a frequency of 1.2e-05 in 248036 control chromosomes. The available data on variant occurrences in the general population are insufficient to allow any conclusion about variant significance. To our knowledge, no occurrence of c.194+6T>C in individuals affected with Chronic Pancreatitis Risk and no experimental evidence demonstrating its impact on protein function have been reported. No clinical diagnostic laboratories have submitted clinical-significance assessments for this variant to ClinVar after 2014. Based on the evidence outlined above, the variant was classified as uncertain significance.